The following is an entry in ClinVar:

ClinVar aggregate classification (germline): Uncertain significance. Review status: criteria provided, multiple submitters, no conflicts (2 of 4 stars). 3 submissions from 3 submitters: Uncertain significance (2). 1 of the submissions does not count toward it. Last evaluated 2024-09-12.

Conditions:
Hereditary cancer-predisposing syndrome. Also called: Hereditary Cancer Syndrome; Neoplastic Syndromes, Hereditary; Tumor predisposition; Hereditary neoplastic syndrome. Identifiers: Orphanet 140162, MedGen C0027672, MeSH D009386, MONDO:0015356.
Ataxia-telangiectasia syndrome (AT). Also called: Cerebello-oculocutaneous telangiectasia; Immunodeficiency with ataxia telangiectasia; Ataxia-telangiectasia, complementation group E; Ataxia-telangiectasia, complementation group D; AT, COMPLEMENTATION GROUP C; ATAXIA-TELANGIECTASIA, COMPLEMENTATION GROUP A. Identifiers: Orphanet 100, MedGen C0004135, MONDO:0008840, OMIM 208900.

Allele frequency attached by ClinVar (database versions not stated): gnomAD exomes below 0.00001.
gnomAD v4.1: 1 of 1,614,206 alleles (0.000062%); highest among the groups gnomAD compares: South Asian, 0.0011%; no homozygotes.

Submissions (3):

Labcorp Genetics (formerly Invitae), Labcorp
Classification: Uncertain significance for Ataxia-telangiectasia syndrome. Last evaluated: 2024-09-12. Review status: criteria provided, single submitter. Criteria: Invitae Variant Classification Sherloc (09022015). Collection method: clinical testing. Allele origin: germline.
Comment: This sequence change replaces glutamine, which is neutral and polar, with arginine, which is basic and polar, at codon 2989 of the ATM protein (p.Gln2989Arg). This variant is not present in population databases (gnomAD no frequency). This variant has not been reported in the literature in individuals affected with ATM-related conditions. ClinVar contains an entry for this variant (Variation ID: 524240). An algorithm developed to predict the effect of missense changes on protein structure and function outputs the following: PolyPhen-2: "Benign". The arginine amino acid residue is found in multiple mammalian species, which suggests that this missense change does not adversely affect protein function. In summary, the available evidence is currently insufficient to determine the role of this variant in disease. Therefore, it has been classified as a Variant of Uncertain Significance.

Ambry Genetics
Classification: Uncertain significance for Hereditary cancer-predisposing syndrome. Last evaluated: 2018-03-29. Review status: criteria provided, single submitter. Criteria: Ambry Variant Classification Scheme 2023. Collection method: clinical testing. Allele origin: germline.
Comment: The p.Q2989R variant (also known as c.8966A>G), located in coding exon 61 of the ATM gene, results from an A to G substitution at nucleotide position 8966. The glutamine at codon 2989 is replaced by arginine, an amino acid with highly similar properties. This amino acid position is not well conserved in available vertebrate species, and arginine is the reference amino acid in other vertebrate species. In addition, this alteration is predicted to be tolerated by in silico analysis. Since supporting evidence is limited at this time, the clinical significance of this alteration remains unclear.

Natera, Inc.
Classification: Uncertain significance for Ataxia-telangiectasia. Last evaluated: 2020-08-10. Review status: no assertion criteria provided. Collection method: clinical testing. Allele origin: germline. Not counted in ClinVar's aggregate classification.

NM_000051.4(ATM):c.8966A>G (p.Gln2989Arg)

Genes: ATM (ATM serine/threonine kinase; plus strand), C11orf65 (chromosome 11 open reading frame 65; minus strand). Cytogenetic location: 11q22.3.
Variant type: single nucleotide variant.
Coding change: c.8966A>G on transcript NM_000051.4 (MANE Select); coding-DNA position 8966, A replaced by G.
Protein change: p.Gln2989Arg; replaces glutamine 2989 with arginine.
Molecular consequence: missense variant. On other transcripts: intron variant (2).
Genome position (GRCh38, 1-based): chr11:108,365,197, A>G. VCF-style: chr11-108365197-A-G. GRCh37 (hg19) VCF-style: chr11-108235924-A-G.
Other names: c.8966A>G, p.Gln2989Arg (NM_001351834.2); c.640+20723T>C (NM_001330368.2); c.694+20723T>C (NM_001351110.2); short protein forms Q2989R.
Identifiers: ClinVar variation 524240 (VCV000524240.24), dbSNP rs1555151490, ClinGen allele CA382530332.